The following is an entry in ClinVar:

NM_004320.6(ATP2A1):c.564C>G (p.Ile188Met)

Gene: ATP2A1 (ATPase sarcoplasmic/endoplasmic reticulum Ca2+ transporting 1; plus strand). Cytogenetic location: 16p11.2.
Variant type: single nucleotide variant.
Coding change: c.564C>G on transcript NM_004320.6 (MANE Select); coding-DNA position 564, C replaced by G.
Protein change: p.Ile188Met; replaces isoleucine 188 with methionine.
Molecular consequence: missense variant.
Genome position (GRCh38, 1-based): chr16:28,887,208, C>G. VCF-style: chr16-28887208-C-G. GRCh37 (hg19) VCF-style: chr16-28898529-C-G.
Other names: c.189C>G, p.Ile63Met (NM_001286075.2); c.564C>G, p.Ile188Met (NM_173201.5); short protein forms I188M, I63M.
Identifiers: ClinVar variation 1714377 (VCV001714377.6), dbSNP rs2506280031, ClinGen allele CA395402403.

ClinVar aggregate classification (germline): Uncertain significance (1 of 4 stars; one submission).

Conditions:
Brody myopathy. Also called: BRODY DISEASE. Identifiers: Orphanet 53347, MedGen C1832918, MONDO:0010977, OMIM 601003.

Submission:

Labcorp Genetics (formerly Invitae), Labcorp
Classification: Uncertain significance for Brody myopathy. Last evaluated: 2022-09-07. Review status: criteria provided, single submitter. Criteria: Invitae Variant Classification Sherloc (09022015). Collection method: clinical testing. Allele origin: germline.
Comment: This variant has not been reported in the literature in individuals affected with ATP2A1-related conditions. In summary, the available evidence is currently insufficient to determine the role of this variant in disease. Therefore, it has been classified as a Variant of Uncertain Significance. Algorithms developed to predict the effect of missense changes on protein structure and function are either unavailable or do not agree on the potential impact of this missense change (SIFT: "Deleterious"; PolyPhen-2: "Probably Damaging"; Align-GVGD: "Class C0"). This variant is not present in population databases (gnomAD no frequency). This sequence change replaces isoleucine, which is neutral and non-polar, with methionine, which is neutral and non-polar, at codon 188 of the ATP2A1 protein (p.Ile188Met).